The following is an entry in ClinVar:

NM_000211.5(ITGB2):c.1908G>C (p.Lys636Asn)

Gene: ITGB2 (integrin subunit beta 2; minus strand). Cytogenetic location: 21q22.3.
Variant type: single nucleotide variant.
Coding change: c.1908G>C on transcript NM_000211.5 (MANE Select); coding-DNA position 1908, G replaced by C.
Protein change: p.Lys636Asn; replaces lysine 636 with asparagine.
Molecular consequence: missense variant.
Genome position (GRCh38, 1-based): chr21:44,888,865, C>G on the plus strand (G>C on the coding strand, the complement: ITGB2 is on the minus strand). VCF-style: chr21-44888865-C-G. GRCh37 (hg19) VCF-style: chr21-46308780-C-G.
Other names: c.1908G>C, p.Lys636Asn (NM_001127491.3); c.1701G>C, p.Lys567Asn (NM_001303238.2); short protein forms K636N, K567N.
Identifiers: ClinVar variation 650049 (VCV000650049.1), dbSNP rs1601281049, ClinGen allele CA410483698.

ClinVar aggregate classification (germline): Uncertain significance (1 of 4 stars; one submission).

Conditions:
Leukocyte adhesion deficiency 1 (LAD1). Also called: LEUKOCYTE ADHESION DEFICIENCY, TYPE I; LAD 1; Lymphocyte function-associated antigen 1 immunodeficiency; LFA 1 immunodeficiency. Identifiers: Orphanet 2968, Orphanet 99842, MedGen C0398738, MONDO:0007293, OMIM 116920.

Allele frequency attached by ClinVar (database versions not stated): gnomAD exomes below 0.00001.
gnomAD v4.1: 1 of 1,608,098 alleles (0.000062%); highest among the groups gnomAD compares: Non-Finnish European, 0.000085%; no homozygotes.

Submission:

Labcorp Genetics (formerly Invitae), Labcorp
Classification: Uncertain significance for Leukocyte adhesion deficiency type 1. Last evaluated: 2018-09-21. Review status: criteria provided, single submitter. Criteria: Invitae Variant Classification Sherloc (09022015). Collection method: clinical testing. Allele origin: germline.
Comment: This sequence change replaces lysine with asparagine at codon 636 of the ITGB2 protein (p.Lys636Asn). The lysine residue is highly conserved and there is a moderate physicochemical difference between lysine and asparagine. This variant is not present in population databases (ExAC no frequency). This variant has not been reported in the literature in individuals with ITGB2-related disease. Algorithms developed to predict the effect of missense changes on protein structure and function (SIFT, PolyPhen-2, Align-GVGD) all suggest that this variant is likely to be tolerated, but these predictions have not been confirmed by published functional studies and their clinical significance is uncertain. In summary, the available evidence is currently insufficient to determine the role of this variant in disease. Therefore, it has been classified as a Variant of Uncertain Significance.